The following is an entry in ClinVar:

NC_000015.9:g.(?_48703181)_(48744887_?)del

Gene: FBN1 (fibrillin 1; minus strand). Cytogenetic location: 15q21.1.
Variant type: Deletion.
Identifiers: ClinVar variation 1069831 (VCV001069831.7).

ClinVar aggregate classification (germline): Pathogenic (1 of 4 stars; one submission).

Conditions:
Familial thoracic aortic aneurysm and aortic dissection (TAAD). Also called: Thoracic aortic aneurysms and dissections. Identifiers: Orphanet 91387, MedGen C4707243, MONDO:0019625.
Marfan syndrome (MFS). Also called: Marfan syndrome type 1; Marfan's syndrome; Marfan syndrome, classic; MARFAN SYNDROME, TYPE I; FBN1-Related Marfan Syndrome. Identifiers: Orphanet 284963, Orphanet 558, MedGen C0024796, MONDO:0007947, OMIM 154700.

Submission:

Labcorp Genetics (formerly Invitae), Labcorp
Classification: Pathogenic for Marfan syndrome; Familial thoracic aortic aneurysm and aortic dissection. Last evaluated: 2016-01-02. Review status: criteria provided, single submitter. Criteria: Invitae Variant Classification Sherloc (09022015). Collection method: clinical testing. Allele origin: germline.
Comment: For these reasons, this variant has been classified as Pathogenic. While this particular variant has not been reported in the literature, truncating variants in FBN1 are known to be pathogenic (PMID: 17657824, 19293843). This variant is a gross deletion of the genomic region encompassing exons 45-66 of the FBN1 gene. The 5' boundary is likely confined to the intronic region between exons 44 and 45. The 3' end of this event is unknown as it extends through the termination codon beyond the assayed region for this gene and may encompass additional genes. While this deletion is not anticipated to result in nonsense mediated decay, it is expected to create a truncated FBN1 protein.

Literature cited by the submitters: PubMed 17657824; PubMed 19293843.